The following is an entry in ClinVar:

ClinVar aggregate classification (germline): Pathogenic (1 of 4 stars; one submission).
ClinVar aggregate classification (oncogenicity): Likely oncogenic (1 of 4 stars; one submission).

Conditions:
Neurofibromatosis, type 1 (NF1). Also called: NEUROFIBROMATOSIS, TYPE I, SOMATIC; VON RECKLINGHAUSEN DISEASE; Peripheral type neurofibromatosis; Neurofibromatosis, type I. Identifiers: Orphanet 636, MedGen C0027831, MONDO:0018975, OMIM 162200. Disease mechanism: loss of function.
Neoplasm. Also called: tumor; Neoplasms; Neoplasm (disease). Identifiers: MedGen C0027651, MeSH D009369, MONDO:0005070, HP:0002664.

Submissions (2):

Center for Genomic Medicine, Rigshospitalet, Copenhagen University Hospital
Classification: Likely oncogenic for Neoplasm. Last evaluated: 2025-03-04. Review status: criteria provided, single submitter. Criteria: ClinGen/CGC/VICC Guidelines for Oncogenicity, 2022. Collection method: clinical testing. Allele origin: somatic. Affected: yes.

Labcorp Genetics (formerly Invitae), Labcorp
Classification: Pathogenic for Neurofibromatosis, type 1. Last evaluated: 2023-09-12. Review status: criteria provided, single submitter. Criteria: Invitae Variant Classification Sherloc (09022015). Collection method: clinical testing. Allele origin: germline.
Comment: This variant has not been reported in the literature in individuals affected with NF1-related conditions. This variant is not present in population databases (gnomAD no frequency). This sequence change creates a premature translational stop signal (p.Ser2288*) in the NF1 gene. It is expected to result in an absent or disrupted protein product. Loss-of-function variants in NF1 are known to be pathogenic (PMID: 10712197, 23913538). ClinVar contains an entry for this variant (Variation ID: 1451739). For these reasons, this variant has been classified as Pathogenic.

Literature cited by the submitters: PubMed 10712197 (cited by Labcorp Genetics (formerly Invitae), Labcorp); PubMed 23913538 (cited by Labcorp Genetics (formerly Invitae), Labcorp).

NM_001042492.3(NF1):c.6926C>A (p.Ser2309Ter)

Gene: NF1 (neurofibromin 1; plus strand). Cytogenetic location: 17q11.2.
Variant type: single nucleotide variant.
Coding change: c.6926C>A on transcript NM_001042492.3 (MANE Select); coding-DNA position 6926, C replaced by A.
Protein change: p.Ser2309Ter; replaces serine 2309 with a stop codon.
Molecular consequence: nonsense.
Genome position (GRCh38, 1-based): chr17:31,340,509, C>A. VCF-style: chr17-31340509-C-A. GRCh37 (hg19) VCF-style: chr17-29667527-C-A.
Other names: c.6863C>A, p.Ser2288Ter (NM_000267.4); short protein forms S2288*, S2309*.
Identifiers: ClinVar variation 1451739 (VCV001451739.7), dbSNP rs1555535159, ClinGen allele CA399014850.